The following is an entry in ClinVar:

ClinVar aggregate classification (germline): Uncertain significance (0 of 4 stars; one submission).

Conditions:
EZH2-related disorder.

Submission:

PreventionGenetics, part of Exact Sciences
Classification: Uncertain significance for EZH2-related condition. Last evaluated: 2024-01-12. Review status: no assertion criteria provided. Collection method: clinical testing. Allele origin: germline.
Comment: The EZH2 c.380T>G variant is predicted to result in the amino acid substitution p.Val127Gly. To our knowledge, this variant has not been reported in the literature or in a large population database, indicating this variant is rare. At this time, the clinical significance of this variant is uncertain due to the absence of conclusive functional and genetic evidence.

NM_004456.5(EZH2):c.380T>G (p.Val127Gly)

Gene: EZH2 (enhancer of zeste 2 polycomb repressive complex 2 subunit; minus strand). Cytogenetic location: 7q36.1.
Variant type: single nucleotide variant.
Coding change: c.380T>G on transcript NM_004456.5 (MANE Select); coding-DNA position 380, T replaced by G.
Protein change: p.Val127Gly; replaces valine 127 with glycine.
Molecular consequence: missense variant.
Genome position (GRCh38, 1-based): chr7:148,829,832, A>C on the plus strand (T>G on the coding strand, the complement: EZH2 is on the minus strand). VCF-style: chr7-148829832-A-C. GRCh37 (hg19) VCF-style: chr7-148526924-A-C.
Other names: c.380T>G, p.Val127Gly (NM_001203247.2); c.353T>G, p.Val118Gly (NM_001203248.2, NM_001203249.2); c.263T>G, p.Val88Gly (NM_152998.3); short protein forms V118G, V127G, V88G.
Identifiers: ClinVar variation 3061190 (VCV003061190.2), dbSNP rs2129477017, ClinGen allele CA369721862.